The following is an entry in ClinVar:

NM_000827.4(GRIA1):c.269A>C (p.Glu90Ala)

Gene: GRIA1 (glutamate ionotropic receptor AMPA type subunit 1; plus strand). Cytogenetic location: 5q33.2.
Variant type: single nucleotide variant.
Coding change: c.269A>C on transcript NM_000827.4 (MANE Select); coding-DNA position 269, A replaced by C.
Protein change: p.Glu90Ala; replaces glutamic acid 90 with alanine.
Molecular consequence: missense variant. On other transcripts: 5 prime UTR variant (1), non-coding transcript variant (2), intron variant (1).
Genome position (GRCh38, 1-based): chr5:153,646,976, A>C. VCF-style: chr5-153646976-A-C. GRCh37 (hg19) VCF-style: chr5-153026536-A-C.
Other names: c.269A>C, p.Glu90Ala (NM_001114183.2, NM_001364165.2); c.-17A>C (NM_001258020.2); c.299A>C, p.Glu100Ala (NM_001258021.2, NM_001258022.2); c.62A>C, p.Glu21Ala (NM_001258023.1, NM_001364167.2); c.296A>C, p.Glu99Ala (NM_001364166.2); c.221-3354A>C (NM_001258019.2); short protein forms E100A, E21A, E90A, E99A.
Identifiers: ClinVar variation 1699221 (VCV001699221.3), dbSNP rs2149453376, ClinGen allele CA361904474.

ClinVar aggregate classification (germline): Uncertain significance (1 of 4 stars; one submission).

Conditions:
Intellectual developmental disorder, autosomal dominant 67 (MRD67). Also called: MENTAL RETARDATION, AUTOSOMAL DOMINANT 67. Identifiers: MedGen C5677006, MONDO:0030964, OMIM 619927.

Submission:

Victorian Clinical Genetics Services, Murdoch Childrens Research Institute
Classification: Uncertain significance for Intellectual developmental disorder, autosomal dominant 67. Last evaluated: 2023-12-21. Review status: criteria provided, single submitter. Criteria: ACMG Guidelines, 2015. Collection method: clinical testing. Allele origin: germline. Inheritance: Autosomal dominant inheritance. Affected: yes.
Comment: Based on the classification scheme VCGS_Germline_v1.3.4, this variant is classified as VUS-3B. Following criteria are met: 0105 - The mechanism of disease for this gene is not clearly established. However, patch clamp studies suggest a recurring pathogenic missense variant (p.Ala636Thr) has a gain of function mechanism (PMID: 28628100). (I) 0107 - This gene is associated with autosomal dominant disease. (I) 0200 - Variant is predicted to result in a missense amino acid change from glutamic acid to alanine. (I) 0251 - This variant is heterozygous. (I) 0301 - Variant is absent from gnomAD (both v2 and v3). (SP) 0501 - Missense variant consistently predicted to be damaging by multiple in silico tools or highly conserved with a major amino acid change. (SP) 0600 - Variant is located in the annotated N-terminal leucine-isoleucine-valine binding protein (LIVBP)-like domain (NCBI). (I) 0705 - No comparable missense variants have previous evidence for pathogenicity. (I) 0807 - This variant has no previous evidence of pathogenicity. (I) 0905 - No published segregation evidence has been identified for this variant. (I) 1007 - No published functional evidence has been identified for this variant. (SP) Legend: (SP) - Supporting pathogenic, (I) - Information, (SB) - Supporting benign

Literature cited by the submitters: PubMed 28628100.